The following is an entry in ClinVar:

ClinVar aggregate classification (germline): Uncertain significance (1 of 4 stars; one submission).

Submission:

Women's Health and Genetics/Laboratory Corporation of America, LabCorp
Classification: Uncertain significance. Last evaluated: 2024-07-02. Review status: criteria provided, single submitter. Criteria: LabCorp Variant Classification Summary - May 2015. Collection method: clinical testing. Allele origin: germline.
Comment: Variant summary: TMEM107 c.438C>A (p.Phe146Leu) results in a non-conservative amino acid change in the encoded protein sequence. Four of five in-silico tools predict a benign effect of the variant on protein function. The variant was absent in 251482 control chromosomes. The available data on variant occurrences in the general population are insufficient to allow any conclusion about variant significance. To our knowledge, no occurrence of c.438C>A in individuals affected with TMEM107-Related Disorders and no experimental evidence demonstrating its impact on protein function have been reported. No submitters have cited clinical-significance assessments for this variant to ClinVar. Based on the evidence outlined above, the variant was classified as uncertain significance.

NM_183065.4(TMEM107):c.420C>A (p.Phe140Leu)

Genes: TMEM107 (transmembrane protein 107; minus strand), LOC105371520 (uncharacterized LOC105371520; plus strand). Cytogenetic location: 17p13.1.
Variant type: single nucleotide variant.
Coding change: c.420C>A on transcript NM_183065.4 (MANE Select); coding-DNA position 420, C replaced by A.
Protein change: p.Phe140Leu; replaces phenylalanine 140 with leucine.
Molecular consequence: missense variant. On other transcripts: non-coding transcript variant (1).
Genome position (GRCh38, 1-based): chr17:8,174,206, G>T on the plus strand (C>A on the coding strand, the complement: TMEM107 is on the minus strand). VCF-style: chr17-8174206-G-T. GRCh37 (hg19) VCF-style: chr17-8077524-G-T.
Other names: c.417C>A, p.Phe139Leu (NM_001351278.2); c.399C>A, p.Phe133Leu (NM_001351279.2); c.222C>A, p.Phe74Leu (NM_001351280.2); c.438C>A, p.Phe146Leu (NM_032354.5); short protein forms F133L, F139L, F140L, F146L, F74L.
Identifiers: ClinVar variation 3339203 (VCV003339203.1).
Genomic context (GRCh38, chr17:8,174,206, plus strand): 5'-TACGAAGCGGCCCTTGCCCCTGTAGGCTTCGTCCTTAGGTTCCCGTCATGAAGGTAATCA[G>T]AAGGGTTTCTTTTTCAGCCCAAAGACGGTGACGAATAAAGCCATTTCAGTGACAGCTGGA-3'
Protein context (NP_898888.1, residues 130-140): VTVFGLKKKP[Phe140Leu]